The following is an entry in ClinVar:

ClinVar aggregate classification (germline): Uncertain significance (1 of 4 stars; one submission).

Conditions:
Norman-Roberts syndrome (LIS2). Also called: Lissencephaly 2 (Norman-Roberts type). Identifiers: Orphanet 89844, MedGen C0796089, MONDO:0009760, OMIM 257320.
Familial temporal lobe epilepsy 7. Identifiers: Orphanet 101046, MedGen C4225327, MONDO:0014639, OMIM 616436.

Allele frequency attached by ClinVar (database versions not stated): gnomAD exomes below 0.00001; TOPMed below 0.00001; ExAC 0.00001.
gnomAD v4.1: 2 of 1,614,082 alleles (0.00012%); highest among the groups gnomAD compares: Admixed American, 0.0017%; no homozygotes.

Submission:

Labcorp Genetics (formerly Invitae), Labcorp
Classification: Uncertain significance for Familial temporal lobe epilepsy 7; Norman-Roberts syndrome. Last evaluated: 2022-12-28. Review status: criteria provided, single submitter. Criteria: Invitae Variant Classification Sherloc (09022015). Collection method: clinical testing. Allele origin: germline.
Comment: In summary, the available evidence is currently insufficient to determine the role of this variant in disease. Therefore, it has been classified as a Variant of Uncertain Significance. Advanced modeling of protein sequence and biophysical properties (such as structural, functional, and spatial information, amino acid conservation, physicochemical variation, residue mobility, and thermodynamic stability) performed at Invitae indicates that this missense variant is not expected to disrupt RELN protein function. This variant has not been reported in the literature in individuals affected with RELN-related conditions. This variant is present in population databases (rs774709436, gnomAD 0.003%). This sequence change replaces serine, which is neutral and polar, with asparagine, which is neutral and polar, at codon 3350 of the RELN protein (p.Ser3350Asn).

NM_005045.4(RELN):c.10049G>A (p.Ser3350Asn)

Genes: SLC26A5-AS1 (SLC26A5 antisense RNA 1; plus strand), RELN (reelin; minus strand). Cytogenetic location: 7q22.1.
Variant type: single nucleotide variant.
Coding change: c.10049G>A on transcript NM_005045.4 (MANE Select); coding-DNA position 10049, G replaced by A.
Protein change: p.Ser3350Asn; replaces serine 3350 with asparagine.
Molecular consequence: missense variant.
Genome position (GRCh38, 1-based): chr7:103,483,785, C>T on the plus strand (G>A on the coding strand, the complement: RELN is on the minus strand). VCF-style: chr7-103483785-C-T. GRCh37 (hg19) VCF-style: chr7-103124232-C-T.
Other names: c.10049G>A, p.Ser3350Asn (NM_173054.3); short protein forms S3350N.
Identifiers: ClinVar variation 1989796 (VCV001989796.4), dbSNP rs774709436, ClinGen allele CA4420061.